The following is an entry in ClinVar:

NM_014714.4(IFT140):c.3104G>A (p.Arg1035Gln)

Genes: IFT140 (intraflagellar transport 140; minus strand), LOC126862260 (CDK7 strongly-dependent group 2 enhancer GRCh37_chr16:1574508-1575707; plus strand). Cytogenetic location: 16p13.3.
Variant type: single nucleotide variant.
Coding change: c.3104G>A on transcript NM_014714.4 (MANE Select); coding-DNA position 3104, G replaced by A.
Protein change: p.Arg1035Gln; replaces arginine 1035 with glutamine.
Molecular consequence: missense variant.
Genome position (GRCh38, 1-based): chr16:1,524,589, C>T on the plus strand (G>A on the coding strand, the complement: IFT140 is on the minus strand). VCF-style: chr16-1524589-C-T. GRCh37 (hg19) VCF-style: chr16-1574590-C-T.
Other names: short protein forms R1035Q.
Identifiers: ClinVar variation 849606 (VCV000849606.10), dbSNP rs138596995, ClinGen allele CA7813315.

ClinVar aggregate classification (germline): Uncertain significance. Review status: criteria provided, multiple submitters, no conflicts (2 of 4 stars). 5 submissions from 5 submitters: Uncertain significance (4). 1 of the submissions does not count toward it. Last evaluated 2026-02-18.

Conditions:
Retinal dystrophy. Also called: Inherited retinal dystrophy. Identifiers: Orphanet 71862, MedGen C0854723, MeSH D058499, MONDO:0019118, HP:0000556.
IFT140-related disorder. Also called: IFT140-related condition.
Retinitis pigmentosa 80 (RP80). Identifiers: MedGen C4540439, MONDO:0054708, OMIM 617781.
Saldino-Mainzer syndrome (SRTD9). Also called: short-rib thoracic dysplasia 9 with or without polydactyly; Renal dysplasia, retinal pigmentary dystrophy, cerebellar ataxia and skeletal dysplasia; CONORENAL SYNDROME; SHORT-RIB THORACIC DYSPLASIA 9 WITHOUT POLYDACTYLY. Identifiers: Orphanet 140969, MedGen C1849437, MONDO:0009964, OMIM 266920.

Allele frequency attached by ClinVar (database versions not stated): ExAC 0.00005; gnomAD exomes 0.00008 and 0.00009; gnomAD 0.00012 and 0.00013; TOPMed 0.00014; ESP Exome Variant Server 0.00015.
gnomAD v4.1: 156 of 1,610,798 alleles (0.0097%); highest among the groups gnomAD compares: Admixed American, 0.02%; no homozygotes.

Submissions (5):

PreventionGenetics, part of Exact Sciences
Classification: Uncertain significance for IFT140-related condition. Last evaluated: 2026-02-18. Review status: criteria provided, single submitter. Criteria: ACMG Guidelines, 2015. Collection method: clinical testing. Allele origin: germline.
Comment: The IFT140 c.3104G>A variant is predicted to result in the amino acid substitution p.Arg1035Gln. To our knowledge, this variant has not been reported in the literature. This variant is reported in 0.011% of alleles in individuals of Latino descent in gnomAD. At this time, the clinical significance of this variant is uncertain due to the absence of conclusive functional and genetic evidence.

Labcorp Genetics (formerly Invitae), Labcorp
Classification: Uncertain significance for Saldino-Mainzer syndrome. Last evaluated: 2025-09-13. Review status: criteria provided, single submitter. Criteria: Invitae Variant Classification Sherloc (09022015). Collection method: clinical testing. Allele origin: germline.
Comment: This sequence change replaces arginine, which is basic and polar, with glutamine, which is neutral and polar, at codon 1035 of the IFT140 protein (p.Arg1035Gln). This variant is present in population databases (rs138596995, gnomAD 0.01%). This variant has not been reported in the literature in individuals affected with IFT140-related conditions. ClinVar contains an entry for this variant (Variation ID: 849606). Invitae Evidence Modeling of protein sequence and biophysical properties (such as structural, functional, and spatial information, amino acid conservation, physicochemical variation, residue mobility, and thermodynamic stability) indicates that this missense variant is not expected to disrupt IFT140 protein function with a negative predictive value of 80%. In summary, the available evidence is currently insufficient to determine the role of this variant in disease. Therefore, it has been classified as a Variant of Uncertain Significance.

Fulgent Genetics
Classification: Uncertain significance for Saldino-Mainzer syndrome; Retinitis pigmentosa 80. Last evaluated: 2024-02-09. Review status: criteria provided, single submitter. Criteria: ACMG Guidelines, 2015. Collection method: clinical testing. Allele origin: germline.

Blueprint Genetics
Classification: Uncertain significance. Last evaluated: 2023-03-09. Review status: criteria provided, single submitter. Criteria: ACMG Guidelines, 2015. Collection method: clinical testing. Allele origin: germline.

Institute of Human Genetics, Univ. Regensburg, Univ. Regensburg
Classification: Uncertain significance for Retinal dystrophy. Last evaluated: 2023-01-01. Review status: no assertion criteria provided. Criteria: ACMG Guidelines, 2015. Collection method: clinical testing. Allele origin: germline. Affected: yes. Not counted in ClinVar's aggregate classification.